The following is an entry in ClinVar:

NM_017950.4(CCDC40):c.1201C>G (p.Leu401Val)

Gene: CCDC40 (coiled-coil domain 40 molecular ruler complex subunit; plus strand). Cytogenetic location: 17q25.3.
Variant type: single nucleotide variant.
Coding change: c.1201C>G on transcript NM_017950.4 (MANE Select); coding-DNA position 1201, C replaced by G.
Protein change: p.Leu401Val; replaces leucine 401 with valine.
Molecular consequence: missense variant.
Genome position (GRCh38, 1-based): chr17:80,058,535, C>G. VCF-style: chr17-80058535-C-G. GRCh37 (hg19) VCF-style: chr17-78032334-C-G.
Other names: c.1201C>G, p.Leu401Val (NM_001243342.2, NM_001330508.2); short protein forms L401V.
Identifiers: ClinVar variation 699086 (VCV000699086.14), dbSNP rs201126001, ClinGen allele CA8813735.

ClinVar aggregate classification (germline): Conflicting classifications of pathogenicity. Review status: criteria provided, conflicting classifications (1 of 4 stars). 5 submissions from 5 submitters: Uncertain significance (2); Likely benign (3). Last evaluated 2025-12-22.

Conditions:
CCDC40-related disorder. Also called: CCDC40-related condition.
Primary ciliary dyskinesia. Also called: Ciliary dyskinesia. Identifiers: Orphanet 244, MedGen C0008780, MONDO:0016575, HP:0012265.
Primary ciliary dyskinesia 15. Also called: CILIARY DYSKINESIA, PRIMARY, 15, WITH OR WITHOUT SITUS INVERSUS. Identifiers: Orphanet 244, MedGen C3151137, MONDO:0013435, OMIM 613808.

Allele frequency attached by ClinVar (database versions not stated): gnomAD exomes 0.00006 and 0.00018; ExAC 0.00021; gnomAD 0.00077 and 0.00081; TOPMed 0.00083; ESP Exome Variant Server 0.00094; 1000 Genomes Project 0.00120; 1000 Genomes Project 30x 0.00141.
gnomAD v4.1: 206 of 1,614,096 alleles (0.013%); highest among the groups gnomAD compares: African/African-American, 0.25%; no homozygotes.

Submissions (5):

Labcorp Genetics (formerly Invitae), Labcorp
Classification: Likely benign for Primary ciliary dyskinesia. Last evaluated: 2025-12-22. Review status: criteria provided, single submitter. Criteria: Invitae Variant Classification Sherloc (09022015). Collection method: clinical testing. Allele origin: germline.

Ambry Genetics
Classification: Likely benign for Primary ciliary dyskinesia. Last evaluated: 2025-09-01. Review status: criteria provided, single submitter. Criteria: Ambry Variant Classification Scheme 2023. Collection method: clinical testing. Allele origin: germline.

PreventionGenetics, part of Exact Sciences
Classification: Likely benign for CCDC40-related condition. Last evaluated: 2024-12-31. Review status: criteria provided, single submitter. Criteria: ACMG Guidelines, 2015. Collection method: clinical testing. Allele origin: germline.
Comment: This variant is classified as likely benign based on ACMG/AMP sequence variant interpretation guidelines (Richards et al. 2015 PMID: 25741868, with internal and published modifications).

GeneDx
Classification: Uncertain significance. Last evaluated: 2024-04-03. Review status: criteria provided, single submitter. Criteria: GeneDx Variant Classification Process June 2021. Collection method: clinical testing. Allele origin: germline. Affected: yes.
Comment: In silico analysis supports that this missense variant has a deleterious effect on protein structure/function; Has not been previously published as pathogenic or benign to our knowledge

Baylor Genetics
Classification: Uncertain significance for Primary ciliary dyskinesia 15. Last evaluated: 2018-04-22. Review status: criteria provided, single submitter. Criteria: ACMG Guidelines, 2015. Collection method: clinical testing. Allele origin: paternal. Affected: yes.
Comment: This variant was determined to be of uncertain significance according to ACMG Guidelines, 2015 [PMID:25741868].